The following is an entry in ClinVar:

ClinVar aggregate classification (germline): Uncertain significance (1 of 4 stars; one submission).

Conditions:
Hereditary cancer-predisposing syndrome. Also called: Neoplastic Syndromes, Hereditary; Tumor predisposition; Hereditary Cancer Syndrome; Hereditary neoplastic syndrome. Identifiers: Orphanet 140162, MedGen C0027672, MeSH D009386, MONDO:0015356.

Submission:

Ambry Genetics
Classification: Uncertain significance for Hereditary cancer-predisposing syndrome. Last evaluated: 2024-09-02. Review status: criteria provided, single submitter. Criteria: Ambry Variant Classification Scheme 2023. Collection method: clinical testing. Allele origin: germline.
Comment: The p.N98H variant (also known as c.292A>C), located in coding exon 2 of the NTHL1 gene, results from an A to C substitution at nucleotide position 292. The asparagine at codon 98 is replaced by histidine, an amino acid with similar properties. This amino acid position is conserved. In addition, this alteration is predicted to be tolerated by in silico analysis. Based on the available evidence, the clinical significance of this variant remains unclear.

NM_002528.7(NTHL1):c.268A>C (p.Asn90His)

Gene: NTHL1 (nth like DNA glycosylase 1; minus strand). Cytogenetic location: 16p13.3.
Variant type: single nucleotide variant.
Coding change: c.268A>C on transcript NM_002528.7 (MANE Select); coding-DNA position 268, A replaced by C.
Protein change: p.Asn90His; replaces asparagine 90 with histidine.
Molecular consequence: missense variant. On other transcripts: intron variant (1).
Genome position (GRCh38, 1-based): chr16:2,046,214, T>G on the plus strand (A>C on the coding strand, the complement: NTHL1 is on the minus strand). VCF-style: chr16-2046214-T-G. GRCh37 (hg19) VCF-style: chr16-2096215-T-G.
Other names: c.268A>C, p.Asn90His (NM_001318193.2); c.24+66A>C (NM_001318194.2); short protein forms N90H.
Identifiers: ClinVar variation 3408213 (VCV003408213.1).